The following is an entry in ClinVar:

ClinVar aggregate classification (germline): Uncertain significance (1 of 4 stars; one submission).

Conditions:
Dystonia 12 (DYT12). Also called: DYT-ATP1A3; Rapid-Onset Dystonia-Parkinsonism (RDP). Identifiers: Orphanet 71517, MedGen C1868681, MONDO:0007496, OMIM 128235.

Allele frequency attached by ClinVar (database versions not stated): ExAC 0.00001; gnomAD 0.00001; TOPMed 0.00001.
gnomAD v4.1: 2 of 1,613,924 alleles (0.00012%); highest among the groups gnomAD compares: African/African-American, 0.0027%; no homozygotes.

Submission:

Labcorp Genetics (formerly Invitae), Labcorp
Classification: Uncertain significance for Dystonia 12. Last evaluated: 2023-09-22. Review status: criteria provided, single submitter. Criteria: Invitae Variant Classification Sherloc (09022015). Collection method: clinical testing. Allele origin: germline.
Comment: ClinVar contains an entry for this variant (Variation ID: 1035054). This variant has not been reported in the literature in individuals affected with ATP1A3-related conditions. This variant is present in population databases (rs782023293, gnomAD 0.008%). In summary, the available evidence is currently insufficient to determine the role of this variant in disease. Therefore, it has been classified as a Variant of Uncertain Significance. Algorithms developed to predict the effect of sequence changes on RNA splicing suggest that this variant may create or strengthen a splice site. This sequence change falls in intron 22 of the ATP1A3 gene. It does not directly change the encoded amino acid sequence of the ATP1A3 protein.

NM_152296.5(ATP1A3):c.3013+10C>G

Gene: ATP1A3 (ATPase Na+/K+ transporting subunit alpha 3; minus strand). Cytogenetic location: 19q13.2.
Variant type: single nucleotide variant.
Coding change: c.3013+10C>G on transcript NM_152296.5 (MANE Select); 10 bases into the intron after coding-DNA position 3013, C replaced by G.
Molecular consequence: intron variant.
Genome position (GRCh38, 1-based): chr19:41,967,239, G>C on the plus strand (C>G on the coding strand, the complement: ATP1A3 is on the minus strand). VCF-style: chr19-41967239-G-C. GRCh37 (hg19) VCF-style: chr19-42471391-G-C.
Other names: c.3052+10C>G (NM_001256214.2); c.3046+10C>G (NM_001256213.2).
Identifiers: ClinVar variation 1035054 (VCV001035054.8), dbSNP rs782023293, ClinGen allele CA9467227.